The following is an entry in ClinVar:

ClinVar aggregate classification (germline): Pathogenic (1 of 4 stars; one submission).

Conditions:
Hereditary cancer-predisposing syndrome. Also called: Neoplastic Syndromes, Hereditary; Tumor predisposition; Hereditary Cancer Syndrome; Hereditary neoplastic syndrome. Identifiers: Orphanet 140162, MedGen C0027672, MeSH D009386, MONDO:0015356.

Submission:

Ambry Genetics
Classification: Pathogenic for Hereditary cancer-predisposing syndrome. Last evaluated: 2024-08-05. Review status: criteria provided, single submitter. Criteria: Ambry Variant Classification Scheme 2023. Collection method: clinical testing. Allele origin: germline.
Comment: The c.670delA pathogenic mutation, located in coding exon 6 of the APC gene, results from a deletion of one nucleotide at nucleotide position 670, causing a translational frameshift with a predicted alternate stop codon (p.I224Sfs*69). This variant has been observed in at least one individual with a personal and/or family history that is consistent with APC-associated polyposis conditions (Ambry internal data). This variant is considered to be rare based on population cohorts in the Genome Aggregation Database (gnomAD). This alteration is expected to result in loss of function by premature protein truncation or nonsense-mediated mRNA decay. As such, this alteration is interpreted as a disease-causing mutation.

NM_000038.6(APC):c.670del (p.Ile224fs)

Gene: APC (APC regulator of Wnt signaling pathway; plus strand). Cytogenetic location: 5q22.2.
Variant type: Deletion.
Coding change: c.670del on transcript NM_000038.6 (MANE Select); coding-DNA position 670, one base deleted (A; older notation c.670delA).
Protein change: p.Ile224fs; shifts the reading frame from isoleucine 224.
Molecular consequence: frameshift variant. On other transcripts: 5 prime UTR variant (4), non-coding transcript variant (2), intron variant (5).
Genome position (GRCh38, 1-based): chr5:112,792,470, A deleted; the last of 3 consecutive A bases (chr5:112,792,468-112,792,470); deleting any one gives the same sequence. VCF-style (leftmost placement, unchanged base first): chr5-112792467-CA-C. GRCh37 (hg19) VCF-style: chr5-112128164-CA-C.
Other names: c.670del, p.Ile224fs (NM_001127510.3, NM_001354895.2, NM_001354896.2 and 12 more transcripts); c.700del, p.Ile234fs (NM_001354897.2, NM_001354902.2, NM_001407446.1); c.595del, p.Ile199fs (NM_001354898.2, NM_001354904.2, NM_001407451.1); c.493del, p.Ile165fs (NM_001354900.2, NM_001354901.2, NM_001354905.2 and 1 more transcripts); c.-366del (NM_001354906.2, NM_001407470.1, NM_001407471.1 and 1 more transcripts); c.646-8809del (NM_001407452.1, NM_001407469.1, NM_001354899.2 and 1 more transcripts); c.676-8809del (NM_001127511.3); short protein forms I199fs, I165fs, I224fs, I234fs.
Identifiers: ClinVar variation 3409678 (VCV003409678.1).